The following is an entry in ClinVar:

NM_005807.6(PRG4):c.3331C>T (p.Pro1111Ser)

Gene: PRG4 (proteoglycan 4; plus strand). Cytogenetic location: 1q31.1.
Variant type: single nucleotide variant.
Coding change: c.3331C>T on transcript NM_005807.6 (MANE Select); coding-DNA position 3331, C replaced by T.
Protein change: p.Pro1111Ser; replaces proline 1111 with serine.
Molecular consequence: missense variant.
Genome position (GRCh38, 1-based): chr1:186,309,050, C>T. VCF-style: chr1-186309050-C-T. GRCh37 (hg19) VCF-style: chr1-186278182-C-T.
Other names: c.3208C>T, p.Pro1070Ser (NM_001127708.3); c.3052C>T, p.Pro1018Ser (NM_001127709.3); c.2929C>T, p.Pro977Ser (NM_001127710.3); c.3202C>T, p.Pro1068Ser (NM_001303232.2); short protein forms P1018S, P1068S, P1070S, P1111S, P977S.
Identifiers: ClinVar variation 3034267 (VCV003034267.3), dbSNP rs201472102, ClinGen allele CA1296589.

ClinVar aggregate classification (germline): Likely benign. Review status: criteria provided, single submitter (1 of 4 stars). 2 submissions from 2 submitters: Likely benign (1). 1 of the submissions does not count toward it. Last evaluated 2024-09-17.

Conditions:
PRG4-related disorder. Also called: PRG4-related condition.

Allele frequency attached by ClinVar (database versions not stated): TOPMed 0.00002; ESP Exome Variant Server 0.00008; gnomAD 0.00019; gnomAD exomes 0.00040; ExAC 0.00093; 1000 Genomes Project 30x 0.00125; 1000 Genomes Project 0.00140.

Submissions (2):

Blueprint Genetics
Classification: Likely benign. Last evaluated: 2024-09-17. Review status: criteria provided, single submitter. Criteria: ACMG Guidelines, 2015. Collection method: clinical testing. Allele origin: germline.

PreventionGenetics, part of Exact Sciences
Classification: Likely benign for PRG4-related condition. Last evaluated: 2019-06-17. Review status: no assertion criteria provided. Collection method: clinical testing. Allele origin: germline. Not counted in ClinVar's aggregate classification.
Comment: This variant is classified as likely benign based on ACMG/AMP sequence variant interpretation guidelines (Richards et al. 2015 PMID: 25741868, with internal and published modifications).